The following is an entry in ClinVar:

ClinVar aggregate classification (germline): Pathogenic/Likely pathogenic. Review status: criteria provided, multiple submitters, no conflicts (2 of 4 stars). 2 submissions from 2 submitters: Pathogenic (1); Likely pathogenic (1). Last evaluated 2024-06-30.

Conditions:
TCTN1-related disorder. Also called: TCTN1-related condition.
Meckel-Gruber syndrome. Also called: Dysencephalia splachnocystica; DYSENCEPHALIA SPLANCHNOCYSTICA; GRUBER SYNDROME. Identifiers: Orphanet 564, MedGen C0265215, MONDO:0018921.
Joubert syndrome. Also called: Familial aplasia of the vermis; JOUBERT-BOLTSHAUSER SYNDROME. Identifiers: Orphanet 475, MedGen C5979921, MONDO:0018772.

gnomAD v4.1: 5 of 1,612,092 alleles (0.00031%); highest among the groups gnomAD compares: Non-Finnish European, 0.00042%; no homozygotes.

Submissions (2):

Labcorp Genetics (formerly Invitae), Labcorp
Classification: Pathogenic for Joubert syndrome; Meckel-Gruber syndrome. Last evaluated: 2024-06-30. Review status: criteria provided, single submitter. Criteria: Invitae Variant Classification Sherloc (09022015). Collection method: clinical testing. Allele origin: germline.
Comment: This sequence change creates a premature translational stop signal (p.Glu172*) in the TCTN1 gene. It is expected to result in an absent or disrupted protein product. Loss-of-function variants in TCTN1 are known to be pathogenic (PMID: 21725307, 22693042, 27894351). This variant is not present in population databases (gnomAD no frequency). This variant has not been reported in the literature in individuals affected with TCTN1-related conditions. For these reasons, this variant has been classified as Pathogenic.

Blueprint Genetics
Classification: Likely pathogenic for TCTN1-related disorders. Last evaluated: 2023-12-29. Review status: criteria provided, single submitter. Criteria: ACMG Guidelines, 2015. Collection method: clinical testing. Allele origin: germline. Affected: yes. Observed: 5 variant alleles.

Literature cited by the submitters: PubMed 21725307 (cited by Labcorp Genetics (formerly Invitae), Labcorp); PubMed 22693042 (cited by Labcorp Genetics (formerly Invitae), Labcorp); PubMed 27894351 (cited by Labcorp Genetics (formerly Invitae), Labcorp).

NM_001082538.3(TCTN1):c.514G>T (p.Glu172Ter)

Gene: TCTN1 (tectonic family member 1; plus strand). Cytogenetic location: 12q24.11.
Variant type: single nucleotide variant.
Coding change: c.514G>T on transcript NM_001082538.3 (MANE Select); coding-DNA position 514, G replaced by T.
Protein change: p.Glu172Ter; replaces glutamic acid 172 with a stop codon.
Molecular consequence: nonsense. On other transcripts: 5 prime UTR variant (1), non-coding transcript variant (1).
Genome position (GRCh38, 1-based): chr12:110,628,808, G>T. VCF-style: chr12-110628808-G-T. GRCh37 (hg19) VCF-style: chr12-111066613-G-T.
Other names: c.514G>T, p.Glu172Ter (NM_001082537.3, NM_001319680.2, NM_024549.6); c.346G>T, p.Glu116Ter (NM_001173975.3, NM_001319682.3); c.334G>T, p.Glu112Ter (NM_001173976.2); c.-21G>T (NM_001319681.2); short protein forms E112*, E116*, E172*.
Identifiers: ClinVar variation 3752289 (VCV003752289.3).